The following is an entry in ClinVar:

ClinVar aggregate classification (germline): Uncertain significance. Review status: criteria provided, multiple submitters, no conflicts (2 of 4 stars). 6 submissions from 6 submitters: Uncertain significance (6). Last evaluated 2025-06-06.

Conditions:
Inborn genetic diseases. Identifiers: MedGen C0950123, MeSH D030342.
Progressive myoclonic epilepsy. Also called: Myoclonus epilepsy; Familial progressive myoclonic epilepsy; Progressive myoclonus epilepsy; Myoclonic Epilepsies, Progressive. Identifiers: Orphanet 308, Orphanet 98261, MedGen C0751778, MONDO:0020074.
Unverricht-Lundborg syndrome. Also called: EPILEPSY, PROGRESSIVE MYOCLONIC, 1A; Myoclonic epilepsy of unverricht and lundborg; Epilepsy, progressive myoclonic 1A (Unverricht and Lundborg); Unverricht-Lundborg Disease; Progressive myoclonus epilepsy baltic myoclonic epilepsy; Myoclonus progressive epilepsy of Unverricht and Lundborg. Identifiers: Orphanet 308, MedGen C0751785, MONDO:0009698, OMIM 254800.

Allele frequency attached by ClinVar (database versions not stated): ExAC 0.00001; gnomAD exomes 0.00001; gnomAD 0.00002; TOPMed 0.00003.
gnomAD v4.1: 14 of 1,613,484 alleles (0.00087%); highest among the groups gnomAD compares: Admixed American, 0.0083%; no homozygotes.

Submissions (6):

Mayo Clinic Laboratories, Mayo Clinic
Classification: Uncertain significance. Last evaluated: 2025-06-06. Review status: criteria provided, single submitter. Criteria: ACMG Guidelines, 2015. Collection method: clinical testing. Allele origin: germline. Observed: 1 variant allele.
Comment: PM2_supporting

GeneDx
Classification: Uncertain significance. Last evaluated: 2024-11-08. Review status: criteria provided, single submitter. Criteria: GeneDx Variant Classification Process June 2021. Collection method: clinical testing. Allele origin: germline. Affected: yes.
Comment: Not observed at significant frequency in large population cohorts (gnomAD); In silico analysis supports that this missense variant has a deleterious effect on protein structure/function; Has not been previously published as pathogenic or benign to our knowledge

Labcorp Genetics (formerly Invitae), Labcorp
Classification: Uncertain significance for Progressive myoclonic epilepsy. Last evaluated: 2022-10-17. Review status: criteria provided, single submitter. Criteria: Invitae Variant Classification Sherloc (09022015). Collection method: clinical testing. Allele origin: germline.
Comment: This sequence change replaces tyrosine, which is neutral and polar, with cysteine, which is neutral and slightly polar, at codon 53 of the CSTB protein (p.Tyr53Cys). This variant is present in population databases (rs762082236, gnomAD 0.006%). This variant has not been reported in the literature in individuals affected with CSTB-related conditions. ClinVar contains an entry for this variant (Variation ID: 566232). Algorithms developed to predict the effect of missense changes on protein structure and function are either unavailable or do not agree on the potential impact of this missense change (SIFT: "Deleterious"; PolyPhen-2: "Benign"; Align-GVGD: "Class C45"). In summary, the available evidence is currently insufficient to determine the role of this variant in disease. Therefore, it has been classified as a Variant of Uncertain Significance.

Ambry Genetics
Classification: Uncertain significance for Inborn genetic diseases. Last evaluated: 2020-12-28. Review status: criteria provided, single submitter. Criteria: Ambry Variant Classification Scheme 2023. Collection method: clinical testing. Allele origin: germline.
Comment: The c.158A>G (p.Y53C) alteration is located in exon 2 (coding exon 2) of the CSTB gene. This alteration results from a A to G substitution at nucleotide position 158, causing the tyrosine (Y) at amino acid position 53 to be replaced by a cysteine (C). The p.Y53C alteration is predicted to be tolerated by in silico analysis. Based on insufficient or conflicting evidence, the clinical significance of this alteration remains unclear.

Knight Diagnostic Laboratories, Oregon Health and Sciences University
Classification: Uncertain significance for Myoclonic epilepsy of unverricht and lundborg. Last evaluated: 2019-04-19. Review status: criteria provided, single submitter. Criteria: ACMG Guidelines, 2015. Collection method: clinical testing. Allele origin: germline. Observed: 1 variant allele.

Blueprint Genetics
Classification: Uncertain significance. Last evaluated: 2018-12-05. Review status: criteria provided, single submitter. Criteria: ACMG Guidelines, 2015. Collection method: clinical testing. Allele origin: germline.

Literature cited by the submitters: PubMed 38247861 (cited by Mayo Clinic Laboratories, Mayo Clinic).

NM_000100.4(CSTB):c.158A>G (p.Tyr53Cys)

Gene: CSTB (cystatin B; minus strand). Cytogenetic location: 21q22.3.
Variant type: single nucleotide variant.
Coding change: c.158A>G on transcript NM_000100.4 (MANE Select); coding-DNA position 158, A replaced by G.
Protein change: p.Tyr53Cys; replaces tyrosine 53 with cysteine.
Molecular consequence: missense variant.
Genome position (GRCh38, 1-based): chr21:43,774,668, T>C on the plus strand (A>G on the coding strand, the complement: CSTB is on the minus strand). VCF-style: chr21-43774668-T-C. GRCh37 (hg19) VCF-style: chr21-45194549-T-C.
Other names: p.Tyr53Cys; c.158A>G (NM_000100.2); short protein forms Y53C.
Identifiers: ClinVar variation 566232 (VCV000566232.11), dbSNP rs762082236, ClinGen allele CA10048924.